The following is an entry in ClinVar:

ClinVar aggregate classification (germline): Uncertain significance (1 of 4 stars; one submission).

Conditions:
Cardiovascular phenotype. Identifiers: MedGen CN230736.

gnomAD v4.1: 14 of 1,614,228 alleles (0.00087%); highest among the groups gnomAD compares: Non-Finnish European, 0.0011%; no homozygotes.

Submission:

Ambry Genetics
Classification: Uncertain significance for Cardiovascular phenotype. Last evaluated: 2025-04-24. Review status: criteria provided, single submitter. Criteria: Ambry Variant Classification Scheme 2023. Collection method: clinical testing. Allele origin: germline.
Comment: The p.Q237E variant (also known as c.709C>G), located in coding exon 3 of the BAG3 gene, results from a C to G substitution at nucleotide position 709. The glutamine at codon 237 is replaced by glutamic acid, an amino acid with highly similar properties. This amino acid position is conserved. In addition, the in silico prediction for this alteration is inconclusive. Based on the available evidence, the clinical significance of this variant remains unclear.

NM_004281.4(BAG3):c.709C>G (p.Gln237Glu)

Gene: BAG3 (BAG cochaperone 3; plus strand). Cytogenetic location: 10q26.11.
Variant type: single nucleotide variant.
Coding change: c.709C>G on transcript NM_004281.4 (MANE Select); coding-DNA position 709, C replaced by G.
Protein change: p.Gln237Glu; replaces glutamine 237 with glutamic acid.
Molecular consequence: missense variant.
Genome position (GRCh38, 1-based): chr10:119,672,456, C>G. VCF-style: chr10-119672456-C-G. GRCh37 (hg19) VCF-style: chr10-121431968-C-G.
Other names: short protein forms Q237E.
Identifiers: ClinVar variation 3984781 (VCV003984781.1).